The following is an entry in ClinVar:

ClinVar aggregate classification (germline): Uncertain significance (1 of 4 stars; one submission).

Allele frequency attached by ClinVar (database versions not stated): TOPMed 0.00001.

Submission:

Labcorp Genetics (formerly Invitae), Labcorp
Classification: Uncertain significance. Last evaluated: 2024-03-11. Review status: criteria provided, single submitter. Criteria: Invitae Variant Classification Sherloc (09022015). Collection method: clinical testing. Allele origin: germline.
Comment: This sequence change replaces glycine, which is neutral and non-polar, with aspartic acid, which is acidic and polar, at codon 286 of the IMPG2 protein (p.Gly286Asp). This variant is not present in population databases (gnomAD no frequency). This variant has not been reported in the literature in individuals affected with IMPG2-related conditions. ClinVar contains an entry for this variant (Variation ID: 1039161). Advanced modeling of protein sequence and biophysical properties (such as structural, functional, and spatial information, amino acid conservation, physicochemical variation, residue mobility, and thermodynamic stability) performed at Invitae indicates that this missense variant is expected to disrupt IMPG2 protein function with a positive predictive value of 80%. In summary, the available evidence is currently insufficient to determine the role of this variant in disease. Therefore, it has been classified as a Variant of Uncertain Significance.

NM_016247.4(IMPG2):c.857G>A (p.Gly286Asp)

Gene: IMPG2 (interphotoreceptor matrix proteoglycan 2; minus strand). Cytogenetic location: 3q12.3.
Variant type: single nucleotide variant.
Coding change: c.857G>A on transcript NM_016247.4 (MANE Select); coding-DNA position 857, G replaced by A.
Protein change: p.Gly286Asp; replaces glycine 286 with aspartic acid.
Molecular consequence: missense variant.
Genome position (GRCh38, 1-based): chr3:101,269,545, C>T on the plus strand (G>A on the coding strand, the complement: IMPG2 is on the minus strand). VCF-style: chr3-101269545-C-T. GRCh37 (hg19) VCF-style: chr3-100988389-C-T.
Other names: short protein forms G286D.
Identifiers: ClinVar variation 1039161 (VCV001039161.10), dbSNP rs1250059859, ClinGen allele CA353867434.
Genomic context (GRCh38, chr3:101,269,545, plus strand): 5'-AAATGTGCATATTTAGATAAGTCTATTTACCTAAATTCAAGTACACGAATTTCCTTGTAG[C>T]CTGGTAACCCAGTAAATGCATTTTCAACCTGTTAAAAGTACAAATAAAAATGATAACTAT-3'
Protein context (NP_057331.2, residues 276-296): EVENAFTGLP[Gly286Asp]YKEIRVLEFR